The following is an entry in ClinVar:

ClinVar aggregate classification (germline): Uncertain significance. Review status: criteria provided, multiple submitters, no conflicts (2 of 4 stars). 3 submissions from 3 submitters: Uncertain significance (3). Last evaluated 2025-11-26.

Conditions:
Hereditary cancer-predisposing syndrome. Also called: Neoplastic Syndromes, Hereditary; Hereditary Cancer Syndrome; Hereditary neoplastic syndrome; Tumor predisposition. Identifiers: Orphanet 140162, MedGen C0027672, MeSH D009386, MONDO:0015356.
Oligodontia-cancer predisposition syndrome. Also called: TOOTH AGENESIS-COLORECTAL CANCER SYNDROME. Identifiers: Orphanet 300576, MedGen C1837750, MONDO:0012075, OMIM 608615. Disease mechanism: loss of function.

Allele frequency attached by ClinVar (database versions not stated): TOPMed below 0.00001.

Submissions (3):

Labcorp Genetics (formerly Invitae), Labcorp
Classification: Uncertain significance for Oligodontia-cancer predisposition syndrome. Last evaluated: 2025-11-26. Review status: criteria provided, single submitter. Criteria: Invitae Variant Classification Sherloc (09022015). Collection method: clinical testing. Allele origin: germline.
Comment: This sequence change replaces glycine, which is neutral and non-polar, with aspartic acid, which is acidic and polar, at codon 456 of the AXIN2 protein (p.Gly456Asp). This variant is not present in population databases (gnomAD no frequency). This variant has not been reported in the literature in individuals affected with AXIN2-related conditions. ClinVar contains an entry for this variant (Variation ID: 934018). Invitae Evidence Modeling of protein sequence and biophysical properties (such as structural, functional, and spatial information, amino acid conservation, physicochemical variation, residue mobility, and thermodynamic stability) indicates that this missense variant is not expected to disrupt AXIN2 protein function with a negative predictive value of 80%. In summary, the available evidence is currently insufficient to determine the role of this variant in disease. Therefore, it has been classified as a Variant of Uncertain Significance.

Ambry Genetics
Classification: Uncertain significance for Hereditary cancer-predisposing syndrome. Last evaluated: 2025-01-05. Review status: criteria provided, single submitter. Criteria: Ambry Variant Classification Scheme 2023. Collection method: clinical testing. Allele origin: germline.
Comment: The p.G456D variant (also known as c.1367G>A), located in coding exon 5 of the AXIN2 gene, results from a G to A substitution at nucleotide position 1367. The glycine at codon 456 is replaced by aspartic acid, an amino acid with similar properties. This amino acid position is conserved. In addition, the in silico prediction for this alteration is inconclusive. Based on the available evidence, the clinical significance of this variant remains unclear.

ARUP Laboratories, Molecular Genetics and Genomics, ARUP Laboratories
Classification: Uncertain significance. Last evaluated: 2023-12-07. Review status: criteria provided, single submitter. Criteria: ARUP Molecular Germline Variant Investigation Process 2024. Collection method: clinical testing. Allele origin: germline.
Comment: The AXIN2 c.1367G>A; p.Gly456Asp variant (rs1060502144), to our knowledge, is not reported in the medical literature but is reported in ClinVar (Variation ID: 934018). This variant is absent from the Genome Aggregation Database (v2.1.1), indicating it is not a common polymorphism. Computational analyses are uncertain whether this variant is neutral or deleterious (REVEL: 0.561). Due to limited information, the clinical significance of this variant is uncertain at this time.

NM_004655.4(AXIN2):c.1367G>A (p.Gly456Asp)

Gene: AXIN2 (axin 2; minus strand). Cytogenetic location: 17q24.1.
Variant type: single nucleotide variant.
Coding change: c.1367G>A on transcript NM_004655.4 (MANE Select); coding-DNA position 1367, G replaced by A.
Protein change: p.Gly456Asp; replaces glycine 456 with aspartic acid.
Molecular consequence: missense variant.
Genome position (GRCh38, 1-based): chr17:65,537,669, C>T on the plus strand (G>A on the coding strand, the complement: AXIN2 is on the minus strand). VCF-style: chr17-65537669-C-T. GRCh37 (hg19) VCF-style: chr17-63533787-C-T.
Other names: c.1367G>A, p.Gly456Asp (NM_001363813.1); short protein forms G456D.
Identifiers: ClinVar variation 934018 (VCV000934018.9), dbSNP rs1060502144, ClinGen allele CA400677637.
Genomic context (GRCh38, chr17:65,537,669, plus strand): 5'-TGCGAATGGTGGTGGTGGTGGTGGTCCGGGGAGCGGGAGCGGGGGCTATAGCGGCCTACG[C>T]CTGGAGACTGGCAGCCAGGGGTCTTGAGGACCCTGGACAGGTGATCGTCCAGTATCGTCT-3'
Protein context (NP_004646.3, residues 446-466): VLKTPGCQSP[Gly456Asp]VGRYSPRSRS